The following is an entry in ClinVar:

NM_001366385.1(CARD14):c.2538C>A (p.Cys846Ter)

Genes: CARD14 (caspase recruitment domain family member 14; plus strand), SGSH (N-sulfoglucosamine sulfohydrolase; minus strand), LOC126862662 (MED14-independent group 3 enhancer GRCh37_chr17:78178385-78179584; plus strand). Cytogenetic location: 17q25.3.
Variant type: single nucleotide variant.
Coding change: c.2538C>A on transcript NM_001366385.1 (MANE Select); coding-DNA position 2538, C replaced by A.
Protein change: p.Cys846Ter; replaces cysteine 846 with a stop codon.
Molecular consequence: nonsense. On other transcripts: non-coding transcript variant (1).
Genome position (GRCh38, 1-based): chr17:80,205,174, C>A. VCF-style: chr17-80205174-C-A. GRCh37 (hg19) VCF-style: chr17-78178973-C-A.
Other names: c.2538C>A, p.Cys846Ter (NM_024110.4); short protein forms C846*.
Identifiers: ClinVar variation 2937190 (VCV002937190.3), dbSNP rs1312603574, ClinGen allele CA401356154.

ClinVar aggregate classification (germline): Uncertain significance (1 of 4 stars; one submission).

Conditions:
Psoriasis 2. Identifiers: MedGen C1864497, MONDO:0011269, OMIM 602723.
Pityriasis rubra pilaris (PRP). Also called: Pityriasis rubra pilaris--familial type. Identifiers: Orphanet 2897, MedGen C0032027, MONDO:0100017, OMIM 173200, MONDO:0008251.

Allele frequency attached by ClinVar (database versions not stated): gnomAD exomes below 0.00001; gnomAD 0.00001; TOPMed 0.00001.
gnomAD v4.1: 9 of 1,613,462 alleles (0.00056%); highest among the groups gnomAD compares: African/African-American, 0.0027%; no homozygotes.

Submission:

Labcorp Genetics (formerly Invitae), Labcorp
Classification: Uncertain significance for Pityriasis rubra pilaris; Psoriasis 2. Last evaluated: 2025-10-01. Review status: criteria provided, single submitter. Criteria: Invitae Variant Classification Sherloc (09022015). Collection method: clinical testing. Allele origin: germline.
Comment: This sequence change creates a premature translational stop signal (p.Cys846*) in the CARD14 gene. It is expected to result in an absent or disrupted protein product. However, the current clinical and genetic evidence is not sufficient to establish whether loss-of-function variants in CARD14 cause disease. This variant is not present in population databases (gnomAD no frequency). This variant has not been reported in the literature in individuals affected with CARD14-related conditions. ClinVar contains an entry for this variant (Variation ID: 2937190). In summary, the available evidence is currently insufficient to determine the role of this variant in disease. Therefore, it has been classified as a Variant of Uncertain Significance.